The following is an entry in ClinVar:

NM_000059.4(BRCA2):c.2060A>G (p.Asp687Gly)

Gene: BRCA2 (BRCA2 DNA repair associated; plus strand). Cytogenetic location: 13q13.1.
Variant type: single nucleotide variant.
Coding change: c.2060A>G on transcript NM_000059.4 (MANE Select); coding-DNA position 2060, A replaced by G.
Protein change: p.Asp687Gly; replaces aspartic acid 687 with glycine.
Molecular consequence: missense variant.
Genome position (GRCh38, 1-based): chr13:32,336,415, A>G. VCF-style: chr13-32336415-A-G. GRCh37 (hg19) VCF-style: chr13-32910552-A-G.
Other names: short protein forms D687G.
Identifiers: ClinVar variation 820625 (VCV000820625.9), dbSNP rs1593896033, ClinGen allele CA387769015.

ClinVar aggregate classification (germline): Conflicting classifications of pathogenicity. Review status: criteria provided, conflicting classifications (1 of 4 stars). 3 submissions from 3 submitters: Uncertain significance (2); Likely benign (1). Last evaluated 2024-11-06.

Conditions:
Hereditary cancer-predisposing syndrome. Also called: Neoplastic Syndromes, Hereditary; Tumor predisposition; Hereditary Cancer Syndrome; Hereditary neoplastic syndrome. Identifiers: Orphanet 140162, MedGen C0027672, MeSH D009386, MONDO:0015356.
Hereditary breast ovarian cancer syndrome. Also called: Hereditary breast and/or ovarian cancer syndrome; BRCA1- and BRCA2-Associated Hereditary Breast and Ovarian Cancer; Hereditary breast and ovarian cancer syndrome; Hereditary breast and ovarian cancer; Hereditary breast and ovarian cancer syndrome (HBOC); Breast and ovarian cancer. Identifiers: Orphanet 145, MedGen C0677776, MeSH D061325, MONDO:0003582. Disease mechanism: loss of function.

Submissions (3):

Labcorp Genetics (formerly Invitae), Labcorp
Classification: Uncertain significance for Hereditary breast ovarian cancer syndrome. Last evaluated: 2024-11-06. Review status: criteria provided, single submitter. Criteria: Invitae Variant Classification Sherloc (09022015). Collection method: clinical testing. Allele origin: germline.
Comment: This sequence change replaces aspartic acid, which is acidic and polar, with glycine, which is neutral and non-polar, at codon 687 of the BRCA2 protein (p.Asp687Gly). This variant is not present in population databases (gnomAD no frequency). This variant has not been reported in the literature in individuals affected with BRCA2-related conditions. ClinVar contains an entry for this variant (Variation ID: 820625). Invitae Evidence Modeling of protein sequence and biophysical properties (such as structural, functional, and spatial information, amino acid conservation, physicochemical variation, residue mobility, and thermodynamic stability) indicates that this missense variant is not expected to disrupt BRCA2 protein function with a negative predictive value of 95%. In summary, the available evidence is currently insufficient to determine the role of this variant in disease. Therefore, it has been classified as a Variant of Uncertain Significance.

University of Washington Department of Laboratory Medicine, University of Washington
Classification: Likely benign for Hereditary cancer-predisposing syndrome. Last evaluated: 2023-03-23. Review status: criteria provided, single submitter. Criteria: Dines et al. (Genet Med. 2020). Collection method: curation. Allele origin: germline.
Comment: Missense variant in a coldspot region where missense variants are very unlikely to be pathogenic (PMID:31911673).

BRCA2 exon 11 coldspot. Reclassification based on statistical prior probability.

Ambry Genetics
Classification: Uncertain significance for Hereditary cancer-predisposing syndrome. Last evaluated: 2019-03-05. Review status: criteria provided, single submitter. Criteria: Ambry Variant Classification Scheme 2023. Collection method: clinical testing. Allele origin: germline.
Comment: The p.D687G variant (also known as c.2060A>G), located in coding exon 10 of the BRCA2 gene, results from an A to G substitution at nucleotide position 2060. The aspartic acid at codon 687 is replaced by glycine, an amino acid with similar properties. This amino acid position is not well conserved in available vertebrate species. In addition, this alteration is predicted to be tolerated by in silico analysis. Since supporting evidence is limited at this time, the clinical significance of this alteration remains unclear.